The following is an entry in ClinVar:

NM_004341.5(CAD):c.1894A>G (p.Ile632Val)

Gene: CAD (carbamoyl-phosphate synthetase 2, aspartate transcarbamylase, and dihydroorotase; plus strand). Cytogenetic location: 2p23.3.
Variant type: single nucleotide variant.
Coding change: c.1894A>G on transcript NM_004341.5 (MANE Select); coding-DNA position 1894, A replaced by G.
Protein change: p.Ile632Val; replaces isoleucine 632 with valine.
Molecular consequence: missense variant. On other transcripts: intron variant (1).
Genome position (GRCh38, 1-based): chr2:27,226,182, A>G. VCF-style: chr2-27226182-A-G. GRCh37 (hg19) VCF-style: chr2-27449050-A-G.
Other names: c.1842+256A>G (NM_001306079.2); c.1894A>G (NM_004341.3); short protein forms I632V.
Identifiers: ClinVar variation 1484575 (VCV001484575.5), dbSNP rs376997003, ClinGen allele CA1572863.

ClinVar aggregate classification (germline): Uncertain significance. Review status: criteria provided, multiple submitters, no conflicts (2 of 4 stars). 2 submissions from 2 submitters: Uncertain significance (2). Last evaluated 2025-08-25.

Conditions:
Inborn genetic diseases. Identifiers: MedGen C0950123, MeSH D030342.

Allele frequency attached by ClinVar (database versions not stated): ExAC 0.00002; gnomAD exomes 0.00002 and 0.00006; TOPMed 0.00003; gnomAD 0.00004; ESP Exome Variant Server 0.00008.

Submissions (2):

Ambry Genetics
Classification: Uncertain significance for Inborn genetic diseases. Last evaluated: 2025-08-25. Review status: criteria provided, single submitter. Criteria: Ambry Variant Classification Scheme 2023. Collection method: clinical testing. Allele origin: germline.

Labcorp Genetics (formerly Invitae), Labcorp
Classification: Uncertain significance. Last evaluated: 2022-09-27. Review status: criteria provided, single submitter. Criteria: Invitae Variant Classification Sherloc (09022015). Collection method: clinical testing. Allele origin: germline.
Comment: This sequence change replaces isoleucine, which is neutral and non-polar, with valine, which is neutral and non-polar, at codon 632 of the CAD protein (p.Ile632Val). This variant is present in population databases (rs376997003, gnomAD 0.005%). This variant has not been reported in the literature in individuals affected with CAD-related conditions. ClinVar contains an entry for this variant (Variation ID: 1484575). Advanced modeling of protein sequence and biophysical properties (such as structural, functional, and spatial information, amino acid conservation, physicochemical variation, residue mobility, and thermodynamic stability) performed at Invitae indicates that this missense variant is not expected to disrupt CAD protein function. In summary, the available evidence is currently insufficient to determine the role of this variant in disease. Therefore, it has been classified as a Variant of Uncertain Significance.